The following is an entry in ClinVar:

ClinVar aggregate classification (germline): Pathogenic. Review status: criteria provided, multiple submitters, no conflicts (2 of 4 stars). 4 submissions from 4 submitters: Pathogenic (2). 2 of the submissions do not count toward it. Last evaluated 2023-04-06.

Conditions:
RS1-related disorder. Also called: RS1-related condition.
Retinal dystrophy. Also called: Inherited retinal dystrophy. Identifiers: Orphanet 71862, MedGen C0854723, MeSH D058499, MONDO:0019118, HP:0000556.

Submissions (4):

Labcorp Genetics (formerly Invitae), Labcorp
Classification: Pathogenic. Last evaluated: 2023-04-06. Review status: criteria provided, single submitter. Criteria: Invitae Variant Classification Sherloc (09022015). Collection method: clinical testing. Allele origin: germline.
Comment: This variant is not present in population databases (gnomAD no frequency). For these reasons, this variant has been classified as Pathogenic. ClinVar contains an entry for this variant (Variation ID: 98933). This premature translational stop signal has been observed in individual(s) with X-linked juvenile retinoschisis (PMID: 9326935, 35456481). This sequence change creates a premature translational stop signal (p.Gly107Argfs*14) in the RS1 gene. It is expected to result in an absent or disrupted protein product. Loss-of-function variants in RS1 are known to be pathogenic (PMID: 9618178, 17172462).

Blueprint Genetics
Classification: Pathogenic for RS1-related disorders. Last evaluated: 2019-11-22. Review status: criteria provided, single submitter. Criteria: ACMG Guidelines, 2015. Collection method: clinical testing. Allele origin: germline. Affected: yes. Observed: 3 variant alleles.

Institute of Human Genetics, Univ. Regensburg, Univ. Regensburg
Classification: Pathogenic for Retinal dystrophy. Last evaluated: 2006-01-01. Review status: no assertion criteria provided. Criteria: ACMG Guidelines, 2015. Collection method: clinical testing. Allele origin: germline. Affected: yes. Not counted in ClinVar's aggregate classification.

Retina International
No classification provided. Review status: no classification provided. Collection method: not provided. Allele origin: unknown. Not counted in ClinVar's aggregate classification.

Literature cited by the submitters: PubMed 9326935 (cited by Labcorp Genetics (formerly Invitae), Labcorp); PubMed 35456481 (cited by Labcorp Genetics (formerly Invitae), Labcorp); PubMed 9618178 (cited by Labcorp Genetics (formerly Invitae), Labcorp); PubMed 17172462 (cited by Labcorp Genetics (formerly Invitae), Labcorp).

NM_000330.4(RS1):c.318dup (p.Gly107fs)

Genes: CDKL5 (cyclin dependent kinase like 5; plus strand), RS1 (retinoschisin 1; minus strand). Cytogenetic location: Xp22.13.
Variant type: Duplication.
Coding change: c.318dup on transcript NM_000330.4 (MANE Select); coding-DNA position 318, one base duplicated (A; older notation c.318dupA).
Protein change: p.Gly107fs; shifts the reading frame from glycine 107.
Molecular consequence: frameshift variant. On other transcripts: intron variant (2).
Genome position (GRCh38, 1-based): chrX:18,647,199, T duplicated on the plus strand (A on the coding strand, the reverse complement: RS1 is on the minus strand); the first of 2 consecutive T bases (chrX:18,647,199-18,647,200); duplicating either gives the same sequence. VCF-style (leftmost placement, unchanged base first): chrX-18647198-C-CT. GRCh37 (hg19) VCF-style: chrX-18665318-C-CT.
Other names: c.316_317insA (NM_000330.4); c.318dup (NM_000330.3); c.2797+1110dup (NM_003159.3, NM_001037343.2); c.317dupA (NM_000330.3); short protein forms G107fs.
Identifiers: ClinVar variation 98933 (VCV000098933.9), dbSNP rs61752071, ClinGen allele CA226676.